The following is an entry in ClinVar:

ClinVar aggregate classification (germline): Uncertain significance (1 of 4 stars; one submission).

Conditions:
Familial encephalopathy with neuroserpin inclusion bodies. Also called: ENCEPHALOPATHY, FAMILIAL, WITH COLLINS BODIES. Identifiers: Orphanet 85110, MedGen C1858680, MONDO:0011412, OMIM 604218.

Submission:

Labcorp Genetics (formerly Invitae), Labcorp
Classification: Uncertain significance for Familial encephalopathy with neuroserpin inclusion bodies. Last evaluated: 2022-12-20. Review status: criteria provided, single submitter. Criteria: Invitae Variant Classification Sherloc (09022015). Collection method: clinical testing. Allele origin: germline.
Comment: In summary, the available evidence is currently insufficient to determine the role of this variant in disease. Therefore, it has been classified as a Variant of Uncertain Significance. Algorithms developed to predict the effect of missense changes on protein structure and function (SIFT, PolyPhen-2, Align-GVGD) all suggest that this variant is likely to be disruptive. This variant has not been reported in the literature in individuals affected with SERPINI1-related conditions. This variant is not present in population databases (gnomAD no frequency). This sequence change replaces lysine, which is basic and polar, with isoleucine, which is neutral and non-polar, at codon 287 of the SERPINI1 protein (p.Lys287Ile).

NM_001122752.2(SERPINI1):c.860A>T (p.Lys287Ile)

Gene: SERPINI1 (serpin family I member 1; plus strand). Cytogenetic location: 3q26.1.
Variant type: single nucleotide variant.
Coding change: c.860A>T on transcript NM_001122752.2 (MANE Select); coding-DNA position 860, A replaced by T.
Protein change: p.Lys287Ile; replaces lysine 287 with isoleucine.
Molecular consequence: missense variant.
Genome position (GRCh38, 1-based): chr3:167,794,803, A>T. VCF-style: chr3-167794803-A-T. GRCh37 (hg19) VCF-style: chr3-167512591-A-T.
Other names: c.860A>T, p.Lys287Ile (NM_005025.5); short protein forms K287I.
Identifiers: ClinVar variation 2821071 (VCV002821071.3), dbSNP rs775506233, ClinGen allele CA355157299.